The following is an entry in ClinVar:

ClinVar aggregate classification (germline): Uncertain significance. Review status: criteria provided, multiple submitters, no conflicts (2 of 4 stars). 4 submissions from 4 submitters: Uncertain significance (4). Last evaluated 2025-03-25.

Conditions:
Hereditary cancer-predisposing syndrome. Also called: Hereditary neoplastic syndrome; Tumor predisposition; Neoplastic Syndromes, Hereditary; Hereditary Cancer Syndrome. Identifiers: Orphanet 140162, MedGen C0027672, MeSH D009386, MONDO:0015356.
Familial adenomatous polyposis 1 (FAP1). Also called: POLYPOSIS, ADENOMATOUS INTESTINAL; FAMILIAL ADENOMATOUS POLYPOSIS 1, ATTENUATED. Identifiers: MedGen C2713442, MONDO:0021056, OMIM 175100. Disease mechanism: loss of function.
Classic or attenuated familial adenomatous polyposis. Identifiers: MedGen CN372698, MONDO:0021057.

Allele frequency attached by ClinVar (database versions not stated): gnomAD exomes below 0.00001.
gnomAD v4.1: 1 of 1,613,818 alleles (0.000062%); highest among the groups gnomAD compares: South Asian, 0.0011%; no homozygotes.

Submissions (4):

Labcorp Genetics (formerly Invitae), Labcorp
Classification: Uncertain significance for Familial adenomatous polyposis 1. Last evaluated: 2025-03-25. Review status: criteria provided, single submitter. Criteria: Invitae Variant Classification Sherloc (09022015). Collection method: clinical testing. Allele origin: germline.
Comment: This sequence change replaces isoleucine, which is neutral and non-polar, with threonine, which is neutral and polar, at codon 2683 of the APC protein (p.Ile2683Thr). This variant is not present in population databases (gnomAD no frequency). This variant has not been reported in the literature in individuals affected with APC-related conditions. ClinVar contains an entry for this variant (Variation ID: 571228). Invitae Evidence Modeling of protein sequence and biophysical properties (such as structural, functional, and spatial information, amino acid conservation, physicochemical variation, residue mobility, and thermodynamic stability) indicates that this missense variant is not expected to disrupt APC protein function with a negative predictive value of 95%. In summary, the available evidence is currently insufficient to determine the role of this variant in disease. Therefore, it has been classified as a Variant of Uncertain Significance.

Quest Diagnostics Nichols Institute San Juan Capistrano
Classification: Uncertain significance. Last evaluated: 2024-11-01. Review status: criteria provided, single submitter. Criteria: Quest Diagnostics criteria. Collection method: clinical testing. Allele origin: unknown.
Comment: The APC c.8048T>C (p.Ile2683Thr) variant has not been reported in individuals with APC-related conditions in the published literature. It also has not been reported in large, multi-ethnic general populations (Genome Aggregation Database). Analysis of this variant using bioinformatics tools for the prediction of the effect of amino acid changes on protein structure and function yielded predictions that this variant is damaging. Based on the available information, we are unable to determine the clinical significance of this variant.

Ambry Genetics
Classification: Uncertain significance for Hereditary cancer-predisposing syndrome. Last evaluated: 2024-03-02. Review status: criteria provided, single submitter. Criteria: Ambry Variant Classification Scheme 2023. Collection method: clinical testing. Allele origin: germline.
Comment: The p.I2683T variant (also known as c.8048T>C), located in coding exon 15 of the APC gene, results from a T to C substitution at nucleotide position 8048. The isoleucine at codon 2683 is replaced by threonine, an amino acid with similar properties. This amino acid position is highly conserved in available vertebrate species. In addition, in silico predictors for this gene do not accurately predict pathogenicity. Since supporting evidence is limited at this time, the clinical significance of this alteration remains unclear.

All of Us Research Program, National Institutes of Health
Classification: Uncertain significance for Classic or attenuated familial adenomatous polyposis. Last evaluated: 2023-10-23. Review status: criteria provided, single submitter. Criteria: ACMG Guidelines, 2015. Collection method: clinical testing. Allele origin: germline. Inheritance: Autosomal dominant inheritance. Observed: 1 variant allele, 1 heterozygote.
Comment: This missense variant replaces isoleucine with threonine at codon 2683 of the APC protein. Computational prediction suggests that this variant may not impact protein structure and function (internally defined REVEL score threshold <= 0.5, PMID: 27666373). To our knowledge, functional studies have not been reported for this variant. This variant has not been reported in individuals affected with APC-related disorders in the literature. This variant has not been identified in the general population by the Genome Aggregation Database (gnomAD). The available evidence is insufficient to determine the role of this variant in disease conclusively. Therefore, this variant is classified as a Variant of Uncertain Significance.

This study involves interpretation of variants in research participants for the purpose of population health screening. Participant phenotype was not available at the time of variant classification. Additional details can be found in publication PMID: 35346344, PMCID: PMC8962531

NM_000038.6(APC):c.8048T>C (p.Ile2683Thr)

Gene: APC (APC regulator of Wnt signaling pathway; plus strand). Cytogenetic location: 5q22.2.
Variant type: single nucleotide variant.
Coding change: c.8048T>C on transcript NM_000038.6 (MANE Select); coding-DNA position 8048, T replaced by C.
Protein change: p.Ile2683Thr; replaces isoleucine 2683 with threonine.
Molecular consequence: missense variant.
Genome position (GRCh38, 1-based): chr5:112,843,642, T>C. VCF-style: chr5-112843642-T-C. GRCh37 (hg19) VCF-style: chr5-112179339-T-C.
Other names: c.8048T>C, p.Ile2683Thr (NM_001127510.3, NM_001354895.2); c.7994T>C, p.Ile2665Thr (NM_001127511.3); c.8102T>C, p.Ile2701Thr (NM_001354896.2); c.8078T>C, p.Ile2693Thr (NM_001354897.2); c.7973T>C, p.Ile2658Thr (NM_001354898.2); c.7964T>C, p.Ile2655Thr (NM_001354899.2); c.7925T>C, p.Ile2642Thr (NM_001354900.2); c.7871T>C, p.Ile2624Thr (NM_001354901.2); and 5 more; short protein forms I2665T, I2683T, I2400T, I2624T, I2642T, I2693T, I2701T, I2523T.
Identifiers: ClinVar variation 571228 (VCV000571228.17), dbSNP rs1561620223, ClinGen allele CA16038804.